The following is an entry in ClinVar:

ClinVar aggregate classification (germline): Likely pathogenic. Review status: criteria provided, multiple submitters, no conflicts (2 of 4 stars). 7 submissions from 7 submitters: Likely pathogenic (7). Last evaluated 2024-01-10.

Conditions:
BRIP1-related disorder. Also called: BRIP1-related condition; BRIP1-related disorders. Identifiers: MedGen CN239206.
Familial cancer of breast. Also called: BREAST CANCER, FAMILIAL; Hereditary breast cancer; hereditary breast carcinoma. Identifiers: Orphanet 227535, MedGen C0346153, MONDO:0016419, OMIM 114480. Disease mechanism: loss of function.
Fanconi anemia complementation group J. Also called: BRIP1-Related Fanconi Anemia. Identifiers: Orphanet 84, MedGen C1836860, MONDO:0012187, OMIM 609054.
Hereditary cancer-predisposing syndrome. Also called: Tumor predisposition; Neoplastic Syndromes, Hereditary; Hereditary Cancer Syndrome; Hereditary neoplastic syndrome. Identifiers: Orphanet 140162, MedGen C0027672, MeSH D009386, MONDO:0015356.

Submissions (7):

Blueprint Genetics
Classification: Likely pathogenic for BRIP1-related disorders. Last evaluated: 2024-01-10. Review status: criteria provided, single submitter. Criteria: ACMG Guidelines, 2015. Collection method: clinical testing. Allele origin: germline. Affected: yes. Observed: 1 variant allele.

Ambry Genetics
Classification: Likely pathogenic for Hereditary cancer-predisposing syndrome. Last evaluated: 2023-06-14. Review status: criteria provided, single submitter. Criteria: Ambry Variant Classification Scheme 2023. Collection method: clinical testing. Allele origin: germline.
Comment: The c.2379+1G>T intronic variant results from a G to T substitution one nucleotide after coding exon 15 of the BRIP1 gene. This nucleotide position is highly conserved in available vertebrate species. In silico splice site analysis predicts that this alteration will weaken the native splice donor site. Alterations that disrupt the canonical splice site are expected to cause aberrant splicing, resulting in an abnormal protein or a transcript that is subject to nonsense-mediated mRNA decay. As such, this alteration is classified as likely pathogenic.

Myriad Genetics, Inc.
Classification: Likely pathogenic for Familial cancer of breast. Last evaluated: 2023-06-06. Review status: criteria provided, single submitter. Criteria: Myriad Autosomal Dominant, Autosomal Recessive and X-Linked Classification Criteria (2023). Collection method: clinical testing. Allele origin: unknown.
Comment: This variant is considered likely pathogenic. This variant occurs within a consensus splice junction and is predicted to result in abnormal mRNA splicing of either an out-of-frame exon or an in-frame exon necessary for protein stability and/or normal function.

Baylor Genetics
Classification: Likely pathogenic for Familial cancer of breast. Last evaluated: 2022-11-30. Review status: criteria provided, single submitter. Criteria: ACMG Guidelines, 2015. Collection method: clinical testing. Allele origin: unknown.

Labcorp Genetics (formerly Invitae), Labcorp
Classification: Likely pathogenic for Familial cancer of breast; Fanconi anemia complementation group J. Last evaluated: 2022-04-24. Review status: criteria provided, single submitter. Criteria: Invitae Variant Classification Sherloc (09022015). Collection method: clinical testing. Allele origin: germline.
Comment: In summary, the currently available evidence indicates that the variant is pathogenic, but additional data are needed to prove that conclusively. Therefore, this variant has been classified as Likely Pathogenic. Algorithms developed to predict the effect of sequence changes on RNA splicing suggest that this variant may disrupt the consensus splice site. ClinVar contains an entry for this variant (Variation ID: 632722). This variant has not been reported in the literature in individuals affected with BRIP1-related conditions. This variant is not present in population databases (gnomAD no frequency). This sequence change affects a donor splice site in intron 16 of the BRIP1 gene. It is expected to disrupt RNA splicing. Variants that disrupt the donor or acceptor splice site typically lead to a loss of protein function (PMID: 16199547), and loss-of-function variants in BRIP1 are known to be pathogenic (PMID: 16116423, 17033622, 21964575).

GeneDx
Classification: Likely pathogenic. Last evaluated: 2019-05-02. Review status: criteria provided, single submitter. Criteria: GeneDx Variant Classification Process June 2021. Collection method: clinical testing. Allele origin: germline. Affected: yes.
Comment: Has not been previously published as pathogenic or benign to our knowledge

Women's Health and Genetics/Laboratory Corporation of America, LabCorp
Classification: Likely pathogenic for Familial cancer of breast. Last evaluated: 2017-09-01. Review status: criteria provided, single submitter. Criteria: LabCorp Variant Classification Summary - May 2015. Collection method: clinical testing. Allele origin: germline.
Comment: Variant summary: The BRIP1 c.2379+1G>T variant involves the alteration of a conserved intronic nucleotide and 4/5 splice prediction tools predict the loss of a splice site. However, these predictions have yet to be confirmed by functional studies. This variant is absent in 121274 control chromosomes. The variant of interest has not, to our knowledge, been reported in affected individuals via publications and/or reputable databases/clinical diagnostic laboratories. Taken together, this variant is classified as likely pathogenic.

Literature cited by the submitters: PubMed 16199547 (cited by Labcorp Genetics (formerly Invitae), Labcorp); PubMed 16116423 (cited by Labcorp Genetics (formerly Invitae), Labcorp); PubMed 17033622 (cited by Labcorp Genetics (formerly Invitae), Labcorp); PubMed 21964575 (cited by Labcorp Genetics (formerly Invitae), Labcorp).

NM_032043.3(BRIP1):c.2379+1G>T

Gene: BRIP1 (BRCA1 interacting DNA helicase 1; minus strand). Cytogenetic location: 17q23.2.
Variant type: single nucleotide variant.
Coding change: c.2379+1G>T on transcript NM_032043.3 (MANE Select); the canonical splice donor site of the intron after coding-DNA position 2379, G replaced by T.
Molecular consequence: splice donor variant.
Genome position (GRCh38, 1-based): chr17:61,743,012, C>A on the plus strand (G>T on the coding strand, the complement: BRIP1 is on the minus strand). VCF-style: chr17-61743012-C-A. GRCh37 (hg19) VCF-style: chr17-59820373-C-A.
Identifiers: ClinVar variation 632722 (VCV000632722.17), dbSNP rs1555590286, ClinGen allele CA400482517.